The following is an entry in ClinVar:

ClinVar aggregate classification (germline): Conflicting classifications of pathogenicity. Review status: criteria provided, conflicting classifications (1 of 4 stars). 2 submissions from 2 submitters: Uncertain significance (1); Likely benign (1). Last evaluated 2023-03-23.

Conditions:
Hereditary cancer-predisposing syndrome. Also called: Neoplastic Syndromes, Hereditary; Tumor predisposition; Hereditary neoplastic syndrome; Hereditary Cancer Syndrome. Identifiers: Orphanet 140162, MedGen C0027672, MeSH D009386, MONDO:0015356.
Hereditary breast ovarian cancer syndrome. Also called: Hereditary breast and ovarian cancer syndrome; Hereditary breast and ovarian cancer; BRCA1- and BRCA2-Associated Hereditary Breast and Ovarian Cancer; Hereditary breast and/or ovarian cancer syndrome; Hereditary breast and ovarian cancer syndrome (HBOC); Breast and ovarian cancer. Identifiers: Orphanet 145, MedGen C0677776, MeSH D061325, MONDO:0003582. Disease mechanism: loss of function.

Submissions (2):

University of Washington Department of Laboratory Medicine, University of Washington
Classification: Likely benign for Hereditary cancer-predisposing syndrome. Last evaluated: 2023-03-23. Review status: criteria provided, single submitter. Criteria: Dines et al. (Genet Med. 2020). Collection method: curation. Allele origin: germline.
Comment: Missense variant in a coldspot region where missense variants are very unlikely to be pathogenic (PMID:31911673).

BRCA2 exon 11 coldspot. Reclassification based on statistical prior probability.

Labcorp Genetics (formerly Invitae), Labcorp
Classification: Uncertain significance for Hereditary breast ovarian cancer syndrome. Last evaluated: 2021-10-31. Review status: criteria provided, single submitter. Criteria: Invitae Variant Classification Sherloc (09022015). Collection method: clinical testing. Allele origin: germline.
Comment: This sequence change replaces valine, which is neutral and non-polar, with glycine, which is neutral and non-polar, at codon 821 of the BRCA2 protein (p.Val821Gly). In summary, the available evidence is currently insufficient to determine the role of this variant in disease. Therefore, it has been classified as a Variant of Uncertain Significance. Advanced modeling of protein sequence and biophysical properties (such as structural, functional, and spatial information, amino acid conservation, physicochemical variation, residue mobility, and thermodynamic stability) performed at Invitae indicates that this missense variant is not expected to disrupt BRCA2 protein function. This variant has not been reported in the literature in individuals affected with BRCA2-related conditions. This variant is not present in population databases (gnomAD no frequency).

NM_000059.4(BRCA2):c.2462T>G (p.Val821Gly)

Gene: BRCA2 (BRCA2 DNA repair associated; plus strand). Cytogenetic location: 13q13.1.
Variant type: single nucleotide variant.
Coding change: c.2462T>G on transcript NM_000059.4 (MANE Select); coding-DNA position 2462, T replaced by G.
Protein change: p.Val821Gly; replaces valine 821 with glycine.
Molecular consequence: missense variant.
Genome position (GRCh38, 1-based): chr13:32,336,817, T>G. VCF-style: chr13-32336817-T-G. GRCh37 (hg19) VCF-style: chr13-32910954-T-G.
Other names: short protein forms V821G.
Identifiers: ClinVar variation 1390360 (VCV001390360.7), dbSNP rs587779361, ClinGen allele CA387772333.